The following is an entry in ClinVar:

ClinVar aggregate classification (germline): Uncertain significance (1 of 4 stars; one submission).

Conditions:
Carnitine palmitoyl transferase 1A deficiency. Also called: CPT I DEFICIENCY; CPT DEFICIENCY, HEPATIC, TYPE I; Carnitine palmitoyltransferase 1A deficiency; CPT deficiency, hepatic, type IA; Carnitine palmitoyltransferase type I deficiency. Identifiers: Orphanet 156, MedGen C1829703, MONDO:0009705, OMIM 255120.

Submission:

Labcorp Genetics (formerly Invitae), Labcorp
Classification: Uncertain significance for Carnitine palmitoyl transferase 1A deficiency. Last evaluated: 2022-10-17. Review status: criteria provided, single submitter. Criteria: Invitae Variant Classification Sherloc (09022015). Collection method: clinical testing. Allele origin: germline.
Comment: In summary, the available evidence is currently insufficient to determine the role of this variant in disease. Therefore, it has been classified as a Variant of Uncertain Significance. Advanced modeling of protein sequence and biophysical properties (such as structural, functional, and spatial information, amino acid conservation, physicochemical variation, residue mobility, and thermodynamic stability) performed at Invitae indicates that this missense variant is not expected to disrupt CPT1A protein function. ClinVar contains an entry for this variant (Variation ID: 1519665). This variant has not been reported in the literature in individuals affected with CPT1A-related conditions. This variant is not present in population databases (gnomAD no frequency). This sequence change replaces phenylalanine, which is neutral and non-polar, with leucine, which is neutral and non-polar, at codon 462 of the CPT1A protein (p.Phe462Leu).

NM_001876.4(CPT1A):c.1386C>A (p.Phe462Leu)

Gene: CPT1A (carnitine palmitoyltransferase 1A; minus strand). Cytogenetic location: 11q13.3.
Variant type: single nucleotide variant.
Coding change: c.1386C>A on transcript NM_001876.4 (MANE Select); coding-DNA position 1386, C replaced by A.
Protein change: p.Phe462Leu; replaces phenylalanine 462 with leucine.
Molecular consequence: missense variant.
Genome position (GRCh38, 1-based): chr11:68,780,712, G>T on the plus strand (C>A on the coding strand, the complement: CPT1A is on the minus strand). VCF-style: chr11-68780712-G-T. GRCh37 (hg19) VCF-style: chr11-68548180-G-T.
Other names: c.1386C>A, p.Phe462Leu (NM_001031847.3); short protein forms F462L.
Identifiers: ClinVar variation 1519665 (VCV001519665.8), dbSNP rs2153997779, ClinGen allele CA381630831.